The following is an entry in ClinVar:

ClinVar aggregate classification (germline): Uncertain significance (1 of 4 stars; one submission).

Submission:

Labcorp Genetics (formerly Invitae), Labcorp
Classification: Uncertain significance. Last evaluated: 2025-02-03. Review status: criteria provided, single submitter. Criteria: Invitae Variant Classification Sherloc (09022015). Collection method: clinical testing. Allele origin: germline.
Comment: This sequence change replaces glutamine, which is neutral and polar, with leucine, which is neutral and non-polar, at codon 426 of the FCHO1 protein (p.Gln426Leu). This variant is not present in population databases (gnomAD no frequency). This variant has not been reported in the literature in individuals affected with FCHO1-related conditions. ClinVar contains an entry for this variant (Variation ID: 1908082). An algorithm developed to predict the effect of missense changes on protein structure and function outputs the following: PolyPhen-2: "Benign". The leucine amino acid residue is found in multiple mammalian species, which suggests that this missense change does not adversely affect protein function. In summary, the available evidence is currently insufficient to determine the role of this variant in disease. Therefore, it has been classified as a Variant of Uncertain Significance.

NM_015122.3(FCHO1):c.1277A>T (p.Gln426Leu)

Gene: FCHO1 (FCH and mu domain containing endocytic adaptor 1; plus strand). Cytogenetic location: 19p13.11.
Variant type: single nucleotide variant.
Coding change: c.1277A>T on transcript NM_015122.3 (MANE Select); coding-DNA position 1277, A replaced by T.
Protein change: p.Gln426Leu; replaces glutamine 426 with leucine.
Molecular consequence: missense variant. On other transcripts: non-coding transcript variant (24), intron variant (1).
Genome position (GRCh38, 1-based): chr19:17,778,154, A>T. VCF-style: chr19-17778154-A-T. GRCh37 (hg19) VCF-style: chr19-17888963-A-T.
Other names: c.1277A>T, p.Gln426Leu (NM_001161357.2, NM_001161358.2, NM_001384370.1 and 25 more transcripts); c.1127A>T, p.Gln376Leu (NM_001161359.2, NM_001384384.1, NM_001384385.1 and 2 more transcripts); c.1238A>T, p.Gln413Leu (NM_001384388.1, NM_001384389.1, NM_001384405.1); c.1202A>T, p.Gln401Leu (NM_001384390.1); c.1232A>T, p.Gln411Leu (NM_001384403.1); c.1057+1883A>T (NM_001384407.1); short protein forms Q376L, Q413L, Q411L, Q401L, Q426L.
Identifiers: ClinVar variation 1908082 (VCV001908082.5), dbSNP rs1464569814, ClinGen allele CA404752679.
Genomic context (GRCh38, chr19:17,778,154, plus strand): 5'-TTGGGAAAAATAGAAGCAGCCCTCTTGGCCTCACCCTCTCTAGCTGTGCAGAGAGATTGC[A>T]GTCAGAGGAGCAGGTGTCCAAGAACCTCTTTGGGCCGCCCCTGGAGTCAGCCTTTGACCA-3'
Protein context (NP_055937.1, residues 416-436): PRTSSCAERL[Gln426Leu]SEEQVSKNLF